The following is an entry in ClinVar:

NM_001267550.2(TTN):c.895C>T (p.Pro299Ser)

Gene: TTN (titin; minus strand). Cytogenetic location: 2q31.2.
Variant type: single nucleotide variant.
Coding change: c.895C>T on transcript NM_001267550.2 (MANE Select); coding-DNA position 895, C replaced by T.
Protein change: p.Pro299Ser; replaces proline 299 with serine.
Molecular consequence: missense variant.
Genome position (GRCh38, 1-based): chr2:178,799,506, G>A on the plus strand (C>T on the coding strand, the complement: TTN is on the minus strand). VCF-style: chr2-178799506-G-A. GRCh37 (hg19) VCF-style: chr2-179664233-G-A.
Other names: c.895C>T, p.Pro299Ser (NM_133378.4, NM_133379.5, NM_133432.3 and 3 more transcripts); short protein forms P299S.
Identifiers: ClinVar variation 5037881 (VCV005037881.1).

ClinVar aggregate classification (germline): Likely benign (1 of 4 stars; one submission).

Submission:

Molecular Diagnostic Laboratory for Inherited Cardiovascular Disease, Montreal Heart Institute
Classification: Likely benign. Last evaluated: 2026-09-21. Review status: criteria provided, single submitter. Criteria: ACMG Guidelines, 2015. Collection method: clinical testing. Allele origin: germline. Affected: no.
Comment: BP1